The following is an entry in ClinVar:

NM_002693.3(POLG):c.719C>T (p.Ser240Leu)

Genes: POLG (DNA polymerase gamma, catalytic subunit; minus strand), POLGARF (POLG alternative reading frame; minus strand). Cytogenetic location: 15q26.1.
Variant type: single nucleotide variant.
Coding change: c.719C>T on transcript NM_002693.3 (MANE Select); coding-DNA position 719, C replaced by T.
Protein change: p.Ser240Leu; replaces serine 240 with leucine.
Molecular consequence: missense variant.
Genome position (GRCh38, 1-based): chr15:89,330,217, G>A on the plus strand (C>T on the coding strand, the complement: POLG is on the minus strand). VCF-style: chr15-89330217-G-A. GRCh37 (hg19) VCF-style: chr15-89873448-G-A.
Other names: p.S240L:TCG>TTG; c.719C>T, p.Ser240Leu (NM_001126131.2); short protein forms S240L.
Identifiers: ClinVar variation 206582 (VCV000206582.20), dbSNP rs369175235, ClinGen allele CA316808.

ClinVar aggregate classification (germline): Uncertain significance. Review status: criteria provided, multiple submitters, no conflicts (2 of 4 stars). 8 submissions from 8 submitters: Uncertain significance (7). 1 of the submissions does not count toward it. Last evaluated 2026-02-02.

Conditions:
Inborn genetic diseases. Identifiers: MedGen C0950123, MeSH D030342.
POLG-related disorder. Also called: POLG-Related Spectrum Disorders; POLG-related condition; POLG-Related Disorders. Identifiers: MedGen C4763519.
Mitochondrial DNA depletion syndrome 4b. Also called: Mitochondrial Neurogastrointestinal Encephalopathy Disease, POLG-Related; MNGIE, POLG-RELATED. Identifiers: Orphanet 298, MedGen C3150914, MONDO:0013350, OMIM 613662.
Progressive external ophthalmoplegia with mitochondrial DNA deletions, autosomal dominant 1 (PEOA1). Also called: PROGRESSIVE EXTERNAL OPHTHALMOPLEGIA, AUTOSOMAL DOMINANT 1; Autosomal Dominant Progressive External Ophthalmoplegia (adPEO). Identifiers: MedGen C1834846, MONDO:0024528, OMIM 157640.
Progressive external ophthalmoplegia with mitochondrial DNA deletions, autosomal recessive 1 (PEOB1). Also called: Autosomal Recessive Progressive External Ophthalmoplegia (arPEO); Progressive external ophthalmoplegia, autosomal recessive 1. Identifiers: Orphanet 254886, MedGen C4225153, MONDO:0009783, OMIM 258450.
Sensory ataxic neuropathy, dysarthria, and ophthalmoparesis (SANDO). Also called: Sensory ataxic neuropathy-dysarthria-ophthalmoparesis syndrome; SENSORY ATAXIC NEUROPATHY WITH MITOCHONDRIAL DNA DELETIONS, AUTOSOMAL RECESSIVE; Ataxia Neuropathy Spectrum (ANS); Epilepsy, progressive myoclonic, type 5. Identifiers: Orphanet 70595, MedGen C1843851, MONDO:0011835, OMIM 607459.
Mitochondrial DNA depletion syndrome 1. Also called: Mitochondrial Neurogastrointestinal Encephalopathy Disease; Mitochondrial DNA depletion syndrome 1 (MNGIE type); Mitochondrial neurogastrointestinal encephalomyopathy syndrome; MITOCHONDRIAL NEUROGASTROINTESTINAL ENCEPHALOPATHY SYNDROME, TYMP-RELATED; MNGIE, TYMP-RELATED; Mitochondrial DNA Depletion Syndrome, MNGIE Form. Identifiers: Orphanet 298, MedGen C4551995, MONDO:0011283, OMIM 603041.
Progressive sclerosing poliodystrophy (MTDPS4A). Also called: ALPERS DIFFUSE DEGENERATION OF CEREBRAL GRAY MATTER WITH HEPATIC CIRRHOSIS; Mitochondrial DNA depletion syndrome 4A (Alpers type); Alpers Syndrome; Alpers-Huttenlocher Syndrome; Mitochondrial DNA Depletion Syndrome 4A; Alpers-Huttenlocher Syndrome (AHS). Identifiers: Orphanet 726, MedGen C0205710, MONDO:0008758, OMIM 203700.

Allele frequency attached by ClinVar (database versions not stated): gnomAD 0.00007 and 0.00008; TOPMed 0.00007; ESP Exome Variant Server 0.00008.
gnomAD v4.1: 99 of 1,613,238 alleles (0.0061%); highest among the groups gnomAD compares: African/African-American, 0.011%; no homozygotes.

Submissions (8):

Women's Health and Genetics/Laboratory Corporation of America, LabCorp
Classification: Uncertain significance. Last evaluated: 2026-02-02. Review status: criteria provided, single submitter. Criteria: LabCorp Variant Classification Summary - May 2015. Collection method: clinical testing. Allele origin: germline.
Comment: Variant summary: POLG c.719C>T (p.Ser240Leu) results in a non-conservative amino acid change in the encoded protein sequence. Algorithms developed to predict the effect of missense changes on protein structure and function all suggest that this variant is likely to be disruptive. The variant allele was found at a frequency of 2e-05 in 250472 control chromosomes. The available data on variant occurrences in the general population are insufficient to allow any conclusion about variant significance. This report does not provide unequivocal conclusions about association of the variant with POLG-Related Spectrum Disorders. To our knowledge, no experimental evidence demonstrating an impact on protein function has been reported. The following publication has been ascertained in the context of this evaluation (PMID: 21880868). ClinVar contains an entry for this variant (Variation ID: 206582). Based on the evidence outlined above, the variant was classified as uncertain significance.

Labcorp Genetics (formerly Invitae), Labcorp
Classification: Uncertain significance for Progressive sclerosing poliodystrophy. Last evaluated: 2026-01-05. Review status: criteria provided, single submitter. Criteria: Invitae Variant Classification Sherloc (09022015). Collection method: clinical testing. Allele origin: germline.
Comment: This sequence change replaces serine, which is neutral and polar, with leucine, which is neutral and non-polar, at codon 240 of the POLG protein (p.Ser240Leu). This variant is present in population databases (rs369175235, gnomAD 0.005%). This missense change has been observed in individual(s) with clinical features of POLG-related disease who lacked a second variant in POLG (PMID: 21880868). ClinVar contains an entry for this variant (Variation ID: 206582). Invitae Evidence Modeling of protein sequence and biophysical properties (such as structural, functional, and spatial information, amino acid conservation, physicochemical variation, residue mobility, and thermodynamic stability) indicates that this missense variant is not expected to disrupt POLG protein function with a negative predictive value of 95%. In summary, the available evidence is currently insufficient to determine the role of this variant in disease. Therefore, it has been classified as a Variant of Uncertain Significance.

GeneDx
Classification: Uncertain significance. Last evaluated: 2025-07-16. Review status: criteria provided, single submitter. Criteria: GeneDx Variant Classification Process June 2021. Collection method: clinical testing. Allele origin: germline. Affected: yes.
Comment: Not observed at significant frequency in large population cohorts (gnomAD); In silico analysis suggests that this missense variant does not alter protein structure/function; This variant is associated with the following publications: (PMID: 21880868, Betler[article]2024)

Ambry Genetics
Classification: Uncertain significance for Inborn genetic diseases. Last evaluated: 2025-07-11. Review status: criteria provided, single submitter. Criteria: Ambry Variant Classification Scheme 2023. Collection method: clinical testing. Allele origin: germline.

Fulgent Genetics
Classification: Uncertain significance for Progressive external ophthalmoplegia with mitochondrial DNA deletions, autosomal dominant 1; Progressive sclerosing poliodystrophy; Progressive external ophthalmoplegia with mitochondrial DNA deletions, autosomal recessive 1; Mitochondrial DNA depletion syndrome 1; Sensory ataxic neuropathy, dysarthria, and ophthalmoparesis; Mitochondrial DNA depletion syndrome 4b. Last evaluated: 2021-11-17. Review status: criteria provided, single submitter. Criteria: ACMG Guidelines, 2015. Collection method: clinical testing. Allele origin: unknown.

Blueprint Genetics
Classification: Uncertain significance. Last evaluated: 2021-09-18. Review status: criteria provided, single submitter. Criteria: ACMG Guidelines, 2015. Collection method: clinical testing. Allele origin: germline.

Athena Diagnostics
Classification: Uncertain significance. Last evaluated: 2018-03-15. Review status: criteria provided, single submitter. Criteria: Athena Diagnostics Criteria. Collection method: clinical testing. Allele origin: germline.

PreventionGenetics, part of Exact Sciences
Classification: Uncertain significance for POLG-related condition. Last evaluated: 2024-08-09. Review status: no assertion criteria provided. Collection method: clinical testing. Allele origin: germline. Not counted in ClinVar's aggregate classification.
Comment: The POLG c.719C>T variant is predicted to result in the amino acid substitution p.Ser240Leu. To our knowledge, this variant has not been reported in the literature. This variant is reported in 0.0050% of alleles in individuals of East Asian descent in gnomAD. At this time, the clinical significance of this variant is uncertain due to the absence of conclusive functional and genetic evidence.

Literature cited by the submitters: PubMed 21880868 (cited by 3 submitters).